The following is an entry in ClinVar:

ClinVar aggregate classification (germline): Uncertain significance (1 of 4 stars; one submission).

Conditions:
Borjeson-Forssman-Lehmann syndrome (BFLS). Also called: MENTAL RETARDATION, X-LINKED, SYNDROMIC, BORJESON-FORSSMAN-LEHMANN TYPE; MENTAL RETARDATION, EPILEPSY, AND ENDOCRINE DISORDERS; BORJESON SYNDROME. Identifiers: Orphanet 127, MedGen C0265339, MONDO:0010537, OMIM 301900.

gnomAD v4.1: 1 of 1,211,380 alleles (0.000083%); highest among the groups gnomAD compares: Non-Finnish European, 0.00011%; no homozygotes.

Submission:

Labcorp Genetics (formerly Invitae), Labcorp
Classification: Uncertain significance for Borjeson-Forssman-Lehmann syndrome. Last evaluated: 2025-10-16. Review status: criteria provided, single submitter. Criteria: Invitae Variant Classification Sherloc (09022015). Collection method: clinical testing. Allele origin: germline.
Comment: This sequence change replaces asparagine, which is neutral and polar, with isoleucine, which is neutral and non-polar, at codon 171 of the PHF6 protein (p.Asn171Ile). This variant is not present in population databases (gnomAD no frequency). This variant has not been reported in the literature in individuals affected with PHF6-related conditions. Invitae Evidence Modeling of protein sequence and biophysical properties (such as structural, functional, and spatial information, amino acid conservation, physicochemical variation, residue mobility, and thermodynamic stability) indicates that this missense variant is not expected to disrupt PHF6 protein function with a negative predictive value of 80%. In summary, the available evidence is currently insufficient to determine the role of this variant in disease. Therefore, it has been classified as a Variant of Uncertain Significance.

NM_001015877.2(PHF6):c.512A>T (p.Asn171Ile)

Gene: PHF6 (PHD finger protein 6; plus strand). Cytogenetic location: Xq26.2.
Variant type: single nucleotide variant.
Coding change: c.512A>T on transcript NM_001015877.2 (MANE Select); coding-DNA position 512, A replaced by T.
Protein change: p.Asn171Ile; replaces asparagine 171 with isoleucine.
Molecular consequence: missense variant.
Genome position (GRCh38, 1-based): chrX:134,413,584, A>T. VCF-style: chrX-134413584-A-T. GRCh37 (hg19) VCF-style: chrX-133547614-A-T.
Other names: c.515A>T, p.Asn172Ile (NM_032335.3); c.512A>T, p.Asn171Ile (NM_032458.3); short protein forms N171I, N172I.
Identifiers: ClinVar variation 4707419 (VCV004707419.1).
Genomic context (GRCh38, chrX:134,413,584, plus strand): 5'-TGGAGCCCTCATCACCTAAAAGTAAAAAGAAAAGTCGCAAAGGAAGGCCAAGAAAAACTA[A>T]TTTTAAAGGGCTGTCAGAAGATACCAGGTCCACATCCTCCCATGGAACAGATGAAATGGA-3'
Protein context (NP_001015877.1, residues 161-181): KSRKGRPRKT[Asn171Ile]FKGLSEDTRS